The following is an entry in ClinVar:

NM_001330700.2(TOP2B):c.3886C>T (p.Pro1296Ser)

Gene: TOP2B (DNA topoisomerase II beta; minus strand). Cytogenetic location: 3p24.2.
Variant type: single nucleotide variant.
Coding change: c.3886C>T on transcript NM_001330700.2 (MANE Select); coding-DNA position 3886, C replaced by T.
Protein change: p.Pro1296Ser; replaces proline 1296 with serine.
Molecular consequence: missense variant.
Genome position (GRCh38, 1-based): chr3:25,609,613, G>A on the plus strand (C>T on the coding strand, the complement: TOP2B is on the minus strand). VCF-style: chr3-25609613-G-A. GRCh37 (hg19) VCF-style: chr3-25651104-G-A.
Other names: c.3871C>T, p.Pro1291Ser (NM_001068.3); short protein forms P1291S, P1296S.
Identifiers: ClinVar variation 2751228 (VCV002751228.3), dbSNP rs2529880148, ClinGen allele CA351894232.
Genomic context (GRCh38, chr3:25,609,613, plus strand): 5'-ATAATCATTTCTCACCAGGCTCCTTCTTCTCCCTCTTAGGTTTGGGACCTTTATTTATAG[G>A]AACTGATGGAGTCAATGCCTCTTCTCCTGCACCTTCTACTGGTGCTCCACTGAATTCTTC-3'
Protein context (NP_001317629.1, residues 1286-1306): AGEEALTPSV[Pro1296Ser]INKGPKPKRE

ClinVar aggregate classification (germline): Uncertain significance (1 of 4 stars; one submission).

Submission:

Labcorp Genetics (formerly Invitae), Labcorp
Classification: Uncertain significance. Last evaluated: 2023-08-08. Review status: criteria provided, single submitter. Criteria: Invitae Variant Classification Sherloc (09022015). Collection method: clinical testing. Allele origin: germline.
Comment: In summary, the available evidence is currently insufficient to determine the role of this variant in disease. Therefore, it has been classified as a Variant of Uncertain Significance. An algorithm developed to predict the effect of missense changes on protein structure and function (PolyPhen-2) suggests that this variant is likely to be tolerated. This variant has not been reported in the literature in individuals affected with TOP2B-related conditions. This variant is not present in population databases (gnomAD no frequency). This sequence change replaces proline, which is neutral and non-polar, with serine, which is neutral and polar, at codon 1291 of the TOP2B protein (p.Pro1291Ser).